The following is an entry in ClinVar:

ClinVar aggregate classification (germline): Uncertain significance (1 of 4 stars; one submission).

Allele frequency attached by ClinVar (database versions not stated): gnomAD exomes below 0.00001; TOPMed below 0.00001; ExAC 0.00001.
gnomAD v4.1: 3 of 1,614,032 alleles (0.00019%); highest among the groups gnomAD compares: Admixed American, 0.0017%; no homozygotes.

Submission:

Labcorp Genetics (formerly Invitae), Labcorp
Classification: Uncertain significance. Last evaluated: 2025-07-02. Review status: criteria provided, single submitter. Criteria: Invitae Variant Classification Sherloc (09022015). Collection method: clinical testing. Allele origin: germline.
Comment: This sequence change replaces alanine, which is neutral and non-polar, with threonine, which is neutral and polar, at codon 137 of the CARD8 protein (p.Ala137Thr). The frequency data for this variant in the population databases is considered unreliable, as metrics indicate poor data quality at this position in the gnomAD database. This variant has not been reported in the literature in individuals affected with CARD8-related conditions. ClinVar contains an entry for this variant (Variation ID: 2973424). An algorithm developed to predict the effect of missense changes on protein structure and function (PolyPhen-2) suggests that this variant is likely to be disruptive. In summary, the available evidence is currently insufficient to determine the role of this variant in disease. Therefore, it has been classified as a Variant of Uncertain Significance.

NM_001184900.3(CARD8):c.559G>A (p.Ala187Thr)

Gene: CARD8 (caspase recruitment domain family member 8; minus strand). Cytogenetic location: 19q13.33.
Variant type: single nucleotide variant.
Coding change: c.559G>A on transcript NM_001184900.3 (MANE Select); coding-DNA position 559, G replaced by A.
Protein change: p.Ala187Thr; replaces alanine 187 with threonine.
Molecular consequence: missense variant. On other transcripts: non-coding transcript variant (4).
Genome position (GRCh38, 1-based): chr19:48,230,990, C>T on the plus strand (G>A on the coding strand, the complement: CARD8 is on the minus strand). VCF-style: chr19-48230990-C-T. GRCh37 (hg19) VCF-style: chr19-48734247-C-T.
Other names: c.409G>A, p.Ala137Thr (NM_001184901.1, NM_001351783.2, NM_001351788.2 and 2 more transcripts); c.559G>A, p.Ala187Thr (NM_001184902.2, NM_001184903.1, NM_001351782.2); c.244G>A, p.Ala82Thr (NM_001351784.2, NM_001351787.2, NM_001351791.2 and 2 more transcripts); c.223G>A, p.Ala75Thr (NM_001351786.2); c.316G>A, p.Ala106Thr (NM_001351790.2); c.-264G>A (NM_001426741.1); short protein forms A82T, A106T, A75T, A137T, A187T.
Identifiers: ClinVar variation 2973424 (VCV002973424.3), dbSNP rs761767678, ClinGen allele CA9547973.
Genomic context (GRCh38, chr19:48,230,990, plus strand): 5'-CTGTGACCTCATCCCTTACCAGGAAGCCGAGGCCTGTGGCTGACCACAGATACCAGCCAG[C>T]AGTGGGGAACCAAACGCTGAAAGGAGCCAGAGTGATGTCATGACGGGAGAACCCCAGGAC-3'
Protein context (NP_001171829.1, residues 177-197): TNRYSVWFPT[Ala187Thr]GWYLWSATGL